The following is an entry in ClinVar:

NM_014141.6(CNTNAP2):c.2706G>A (p.Pro902=)

Gene: CNTNAP2 (contactin associated protein 2; plus strand). Cytogenetic location: 7q35.
Variant type: single nucleotide variant.
Coding change: c.2706G>A on transcript NM_014141.6 (MANE Select); coding-DNA position 2706, G replaced by A.
Protein change: p.Pro902=; no amino-acid change (proline 902 retained).
Molecular consequence: synonymous variant.
Genome position (GRCh38, 1-based): chr7:148,147,642, G>A. VCF-style: chr7-148147642-G-A. GRCh37 (hg19) VCF-style: chr7-147844734-G-A.
Other names: c.2706G>A (NM_014141.5).
Identifiers: ClinVar variation 1104559 (VCV001104559.36), dbSNP rs537291804, ClinGen allele CA4546459.

ClinVar aggregate classification (germline): Likely benign. Review status: criteria provided, multiple submitters, no conflicts (2 of 4 stars). 3 submissions from 3 submitters: Likely benign (2). 1 of the submissions does not count toward it. Last evaluated 2026-01-12.

Conditions:
CNTNAP2-related disorder. Also called: CNTNAP2-related condition.
Cortical dysplasia-focal epilepsy syndrome (PTHSL1). Also called: Pitt-Hopkins-like syndrome 1. Identifiers: Orphanet 163681, Orphanet 221150, MedGen C2750246, MONDO:0012400, OMIM 610042.

Allele frequency attached by ClinVar (database versions not stated): gnomAD exomes 0.00003 and 0.00005; ExAC 0.00004; gnomAD 0.00007 and 0.00008; 1000 Genomes Project 0.00040; 1000 Genomes Project 30x 0.00062.
gnomAD v4.1: 66 of 1,614,070 alleles (0.0041%); highest among the groups gnomAD compares: African/African-American, 0.028%; no homozygotes.

Submissions (3):

Labcorp Genetics (formerly Invitae), Labcorp
Classification: Likely benign for Cortical dysplasia-focal epilepsy syndrome. Last evaluated: 2026-01-12. Review status: criteria provided, single submitter. Criteria: Invitae Variant Classification Sherloc (09022015). Collection method: clinical testing. Allele origin: germline.

CeGaT Center for Human Genetics Tuebingen
Classification: Likely benign. Last evaluated: 2023-05-01. Review status: criteria provided, single submitter. Criteria: CeGaT Center For Human Genetics Tuebingen Variant Classification Criteria Version 2. Collection method: clinical testing. Allele origin: germline. Affected: yes. Observed: 2 variant alleles.
Comment: CNTNAP2: BP4, BP7

PreventionGenetics, part of Exact Sciences
Classification: Likely benign for CNTNAP2-related condition. Last evaluated: 2022-03-28. Review status: no assertion criteria provided. Collection method: clinical testing. Allele origin: germline. Not counted in ClinVar's aggregate classification.
Comment: This variant is classified as likely benign based on ACMG/AMP sequence variant interpretation guidelines (Richards et al. 2015 PMID: 25741868, with internal and published modifications).